The following is an entry in ClinVar:

ClinVar aggregate classification (germline): Uncertain significance (1 of 4 stars; one submission).

Submission:

Labcorp Genetics (formerly Invitae), Labcorp
Classification: Uncertain significance. Last evaluated: 2023-06-07. Review status: criteria provided, single submitter. Criteria: Invitae Variant Classification Sherloc (09022015). Collection method: clinical testing. Allele origin: unknown.
Comment: In summary, the available evidence is currently insufficient to determine the role of this variant in disease. Therefore, it has been classified as a Variant of Uncertain Significance. Experimental studies and prediction algorithms are not available or were not evaluated, and the functional significance of this variant is currently unknown. This variant has not been reported in the literature in individuals affected with CTNNA1-related conditions. This variant is a gross deletion of the genomic region encompassing exon(s) 6 of the CTNNA1 gene. This variant would be expected to be in-frame, preserving the integrity of the reading frame.

NC_000005.9:g.(?_138160209)_(138160498_?)del

Gene: CTNNA1 (catenin alpha 1; plus strand). Cytogenetic location: 5q31.2.
Variant type: Deletion.
Identifiers: ClinVar variation 3246471 (VCV003246471.1).